The following is an entry in ClinVar:

NM_000051.4(ATM):c.8010+6T>G

Genes: ATM (ATM serine/threonine kinase; plus strand), C11orf65 (chromosome 11 open reading frame 65; minus strand). Cytogenetic location: 11q22.3.
Variant type: single nucleotide variant.
Coding change: c.8010+6T>G on transcript NM_000051.4 (MANE Select); 6 bases into the intron after coding-DNA position 8010, T replaced by G.
Molecular consequence: intron variant.
Genome position (GRCh38, 1-based): chr11:108,333,974, T>G. VCF-style: chr11-108333974-T-G. GRCh37 (hg19) VCF-style: chr11-108204701-T-G.
Other names: c.8010+6T>G (NM_001351834.2); c.641-24903A>C (NM_001330368.2); c.*38+1246A>C (NM_001351110.2).
Identifiers: ClinVar variation 2020215 (VCV002020215.4), dbSNP rs2086559039, ClinGen allele CA2580083008.

ClinVar aggregate classification (germline): Uncertain significance (1 of 4 stars; one submission).

Conditions:
Ataxia-telangiectasia syndrome (AT). Also called: Ataxia-telangiectasia, complementation group D; AT, COMPLEMENTATION GROUP C; ATAXIA-TELANGIECTASIA, COMPLEMENTATION GROUP A; ATAXIA-TELANGIECTASIA, FRESNO VARIANT; Ataxia-telangiectasia, complementation group E; LOUIS-BAR SYNDROME. Identifiers: Orphanet 100, MedGen C0004135, MONDO:0008840, OMIM 208900.

Submission:

Labcorp Genetics (formerly Invitae), Labcorp
Classification: Uncertain significance for Ataxia-telangiectasia syndrome. Last evaluated: 2022-08-01. Review status: criteria provided, single submitter. Criteria: Invitae Variant Classification Sherloc (09022015). Collection method: clinical testing. Allele origin: germline.
Comment: This variant is not present in population databases (gnomAD no frequency). This sequence change falls in intron 54 of the ATM gene. It does not directly change the encoded amino acid sequence of the ATM protein. It affects a nucleotide within the consensus splice site. This variant has not been reported in the literature in individuals affected with ATM-related conditions. Variants that disrupt the consensus splice site are a relatively common cause of aberrant splicing (PMID: 17576681, 9536098). Algorithms developed to predict the effect of sequence changes on RNA splicing suggest that this variant is not likely to affect RNA splicing. In summary, the available evidence is currently insufficient to determine the role of this variant in disease. Therefore, it has been classified as a Variant of Uncertain Significance.

Literature cited by the submitters: PubMed 17576681; PubMed 9536098.